The following is an entry in ClinVar:

ClinVar aggregate classification (germline): Uncertain significance (1 of 4 stars; one submission).

gnomAD v4.1: 2 of 1,598,954 alleles (0.00013%); highest among the groups gnomAD compares: Non-Finnish European, 0.000085%; no homozygotes.

Submission:

Labcorp Genetics (formerly Invitae), Labcorp
Classification: Uncertain significance. Last evaluated: 2025-10-14. Review status: criteria provided, single submitter. Criteria: Invitae Variant Classification Sherloc (09022015). Collection method: clinical testing. Allele origin: germline.
Comment: This sequence change replaces glutamine, which is neutral and polar, with arginine, which is basic and polar, at codon 278 of the CRB2 protein (p.Gln278Arg). The frequency data for this variant in the population databases is considered unreliable, as metrics indicate poor data quality at this position in the gnomAD database. This variant has not been reported in the literature in individuals affected with CRB2-related conditions. Experimental studies and prediction algorithms are not available or were not evaluated, and the functional significance of this variant is currently unknown. In summary, the available evidence is currently insufficient to determine the role of this variant in disease. Therefore, it has been classified as a Variant of Uncertain Significance.

NM_173689.7(CRB2):c.833A>G (p.Gln278Arg)

Gene: CRB2 (crumbs cell polarity complex component 2; plus strand). Cytogenetic location: 9q33.3.
Variant type: single nucleotide variant.
Coding change: c.833A>G on transcript NM_173689.7 (MANE Select); coding-DNA position 833, A replaced by G.
Protein change: p.Gln278Arg; replaces glutamine 278 with arginine.
Molecular consequence: missense variant.
Genome position (GRCh38, 1-based): chr9:123,367,250, A>G. VCF-style: chr9-123367250-A-G. GRCh37 (hg19) VCF-style: chr9-126129529-A-G.
Other names: short protein forms Q278R.
Identifiers: ClinVar variation 4760932 (VCV004760932.1).